The following is an entry in ClinVar:

NM_007198.4(PLPBP):c.407C>T (p.Pro136Leu)

Gene: PLPBP (pyridoxal phosphate binding protein; plus strand). Cytogenetic location: 8p11.23.
Variant type: single nucleotide variant.
Coding change: c.407C>T on transcript NM_007198.4 (MANE Select); coding-DNA position 407, C replaced by T.
Protein change: p.Pro136Leu; replaces proline 136 with leucine.
Molecular consequence: missense variant.
Genome position (GRCh38, 1-based): chr8:37,772,842, C>T. VCF-style: chr8-37772842-C-T. GRCh37 (hg19) VCF-style: chr8-37630360-C-T.
Other names: c.407C>T, p.Pro136Leu (NM_001349346.2); c.401C>T, p.Pro134Leu (NM_001349347.2); c.251C>T, p.Pro84Leu (NM_001349348.2); short protein forms P134L, P136L, P84L.
Identifiers: ClinVar variation 1925167 (VCV001925167.5), dbSNP rs747127177, ClinGen allele CA4711227.

ClinVar aggregate classification (germline): Uncertain significance (1 of 4 stars; one submission).

Allele frequency attached by ClinVar (database versions not stated): ExAC 0.00001; gnomAD exomes 0.00001.
gnomAD v4.1: 4 of 1,614,130 alleles (0.00025%); highest among the groups gnomAD compares: Admixed American, 0.0067%; no homozygotes.

Submission:

Labcorp Genetics (formerly Invitae), Labcorp
Classification: Uncertain significance. Last evaluated: 2022-07-31. Review status: criteria provided, single submitter. Criteria: Invitae Variant Classification Sherloc (09022015). Collection method: clinical testing. Allele origin: germline.
Comment: This sequence change replaces proline, which is neutral and non-polar, with leucine, which is neutral and non-polar, at codon 136 of the PROSC protein (p.Pro136Leu). This variant is present in population databases (rs747127177, gnomAD 0.01%). In summary, the available evidence is currently insufficient to determine the role of this variant in disease. Therefore, it has been classified as a Variant of Uncertain Significance. Algorithms developed to predict the effect of missense changes on protein structure and function output the following: SIFT: "Tolerated"; PolyPhen-2: "Benign"; Align-GVGD: "Class C0". The leucine amino acid residue is found in multiple mammalian species, which suggests that this missense change does not adversely affect protein function. This variant has not been reported in the literature in individuals affected with PROSC-related conditions.